The following is an entry in ClinVar:

NM_000090.4(COL3A1):c.3093+1G>T

Gene: COL3A1 (collagen type III alpha 1 chain; plus strand). Cytogenetic location: 2q32.2.
Variant type: single nucleotide variant.
Coding change: c.3093+1G>T on transcript NM_000090.4 (MANE Select); the canonical splice donor site of the intron after coding-DNA position 3093, G replaced by T.
Molecular consequence: splice donor variant.
Genome position (GRCh38, 1-based): chr2:189,006,260, G>T. VCF-style: chr2-189006260-G-T. GRCh37 (hg19) VCF-style: chr2-189870986-G-T.
Identifiers: ClinVar variation 626859 (VCV000626859.5), dbSNP rs869312034, ClinGen allele CA349844996.

ClinVar aggregate classification (germline): Pathogenic/Likely pathogenic. Review status: criteria provided, multiple submitters, no conflicts (2 of 4 stars). 2 submissions from 2 submitters: Pathogenic (1); Likely pathogenic (1). Last evaluated 2023-04-06.

Conditions:
Familial thoracic aortic aneurysm and aortic dissection (TAAD). Also called: Thoracic aortic aneurysms and dissections. Identifiers: Orphanet 91387, MedGen C4707243, MONDO:0019625.
Ehlers-Danlos syndrome, type 4 (EDSVASC). Also called: Ehlers-Danlos syndrome vascular type; Ehlers Danlos syndrome, ecchymotic type; Ehlers Danlos syndrome, arterial type; Ehlers Danlos syndrome, Sack-Barabas type; Ehlers-Danlos Syndrome Type IV. Identifiers: Orphanet 286, MedGen C0268338, MONDO:0017314, OMIM 130050.

Allele frequency attached by ClinVar (database versions not stated): gnomAD exomes below 0.00001.
gnomAD v4.1: 3 of 1,614,152 alleles (0.00019%); highest among the groups gnomAD compares: Non-Finnish European, 0.00025%; no homozygotes.

Submissions (2):

Labcorp Genetics (formerly Invitae), Labcorp
Classification: Pathogenic for Ehlers-Danlos syndrome, type 4. Last evaluated: 2023-04-06. Review status: criteria provided, single submitter. Criteria: Invitae Variant Classification Sherloc (09022015). Collection method: clinical testing. Allele origin: germline.
Comment: This variant is not present in population databases (gnomAD no frequency). This sequence change affects a donor splice site in intron 42 of the COL3A1 gene. RNA analysis indicates that disruption of this splice site induces altered splicing and may result in an absent or disrupted protein product. Disruption of this splice site has been observed in individual(s) with autosomal dominant Ehlers-Danlos syndrome (PMID: 2365710). For these reasons, this variant has been classified as Pathogenic. Studies have shown that disruption of this splice site alters mRNA splicing and is expected to lead to the loss of protein expression (PMID: 2365710). ClinVar contains an entry for this variant (Variation ID: 626859). This variant is also known as G+1(IVS42).

CHEO Genetics Diagnostic Laboratory, Children's Hospital of Eastern Ontario
Classification: Likely pathogenic for Familial thoracic aortic aneurysm and aortic dissection. Last evaluated: 2017-06-30. Review status: criteria provided, single submitter. Criteria: ACMG Guidelines, 2015. Collection method: clinical testing. Allele origin: germline. Study: Canadian Open Genetics Repository.

Literature cited by the submitters: PubMed 2365710 (cited by Labcorp Genetics (formerly Invitae), Labcorp).